The following is an entry in ClinVar:

NM_001723.7(DST):c.3767T>G (p.Leu1256Arg)

Gene: DST (dystonin; minus strand). Cytogenetic location: 6p12.1.
Variant type: single nucleotide variant.
Coding change: c.3767T>G on transcript NM_001723.7 (MANE Plus Clinical); coding-DNA position 3767, T replaced by G.
Protein change: p.Leu1256Arg; replaces leucine 1256 with arginine.
Molecular consequence: missense variant. On other transcripts: intron variant (10).
Genome position (GRCh38, 1-based): chr6:56,620,267, A>C on the plus strand (T>G on the coding strand, the complement: DST is on the minus strand). VCF-style: chr6-56620267-A-C. GRCh37 (hg19) VCF-style: chr6-56485065-A-C.
Other names: c.4830+4263T>G (NM_001144769.5); c.4929+4263T>G (NM_001374722.1, NM_001374736.1); c.4956+4263T>G (NM_001374734.1); c.4416+4263T>G (NM_001144770.2); c.4296+4263T>G (NM_001374730.1, NM_001386100.1, NM_183380.4 and 1 more transcripts); c.3318+4263T>G (NM_015548.5); short protein forms L1256R.
Identifiers: ClinVar variation 835868 (VCV000835868.10), dbSNP rs2098676390, ClinGen allele CA364571187.

ClinVar aggregate classification (germline): Uncertain significance (1 of 4 stars; one submission).

Conditions:
Hereditary sensory and autonomic neuropathy type 6. Also called: Neuropathy, hereditary sensory and autonomic, type VI; HSAN VI. Identifiers: Orphanet 314381, MedGen C3539003, MONDO:0013839, OMIM 614653.
Epidermolysis bullosa simplex 3, localized or generalized intermediate, with BP230 deficiency (EBS3). Also called: Epidermolysis bullosa simplex, autosomal recessive 2; Epidermolysis bullosa simplex due to BP230 deficiency. Identifiers: Orphanet 412181, MedGen C3809470, MONDO:0014180, OMIM 615425.

Submission:

Labcorp Genetics (formerly Invitae), Labcorp
Classification: Uncertain significance for Epidermolysis bullosa simplex 3, localized or generalized intermediate, with BP230 deficiency; Hereditary sensory and autonomic neuropathy type 6. Last evaluated: 2019-11-19. Review status: criteria provided, single submitter. Criteria: Invitae Variant Classification Sherloc (09022015). Collection method: clinical testing. Allele origin: germline.
Comment: This variant is not present in population databases (ExAC no frequency). This sequence change replaces leucine with arginine at codon 1256 of the DST protein (p.Leu1256Arg). The leucine residue is highly conserved and there is a moderate physicochemical difference between leucine and arginine. This variant has not been reported in the literature in individuals with DST-related conditions. In summary, the available evidence is currently insufficient to determine the role of this variant in disease. Therefore, it has been classified as a Variant of Uncertain Significance. Algorithms developed to predict the effect of missense changes on protein structure and function (SIFT, PolyPhen-2, Align-GVGD) all suggest that this variant is likely to be disruptive, but these predictions have not been confirmed by published functional studies and their clinical significance is uncertain.